The following is an entry in ClinVar:

ClinVar aggregate classification (germline): Benign/Likely benign. Review status: criteria provided, multiple submitters, no conflicts (2 of 4 stars). 4 submissions from 4 submitters: Benign (2); Likely benign (2). Last evaluated 2025-10-13.

Allele frequency attached by ClinVar (database versions not stated): ESP Exome Variant Server 0.00046; gnomAD 0.00048 and 0.00068; TOPMed 0.00062; gnomAD exomes 0.00090 and 0.00148; 1000 Genomes Project 0.00120; 1000 Genomes Project 30x 0.00141; ExAC 0.00180.

Submissions (4):

Labcorp Genetics (formerly Invitae), Labcorp
Classification: Benign. Last evaluated: 2025-10-13. Review status: criteria provided, single submitter. Criteria: Invitae Variant Classification Sherloc (09022015). Collection method: clinical testing. Allele origin: germline.

Mayo Clinic Laboratories, Mayo Clinic
Classification: Benign. Last evaluated: 2025-08-27. Review status: criteria provided, single submitter. Criteria: ACMG Guidelines, 2015. Collection method: clinical testing. Allele origin: germline. Observed: 1 variant allele.
Comment: BA1, BP4, BP7

GeneDx
Classification: Likely benign. Last evaluated: 2018-06-21. Review status: criteria provided, single submitter. Criteria: GeneDx Variant Classification Process June 2021. Collection method: clinical testing. Allele origin: germline. Affected: yes.

Breakthrough Genomics
Classification: Likely benign. Review status: criteria provided, single submitter. Criteria: ACMG Guidelines, 2015. Collection method: not provided. Allele origin: germline. Inheritance: Autosomal recessive inheritance. Affected: yes.

NM_152713.5(STT3A):c.509-15G>T

Gene: STT3A (STT3 oligosaccharyltransferase complex catalytic subunit A; plus strand). Cytogenetic location: 11q24.2.
Variant type: single nucleotide variant.
Coding change: c.509-15G>T on transcript NM_152713.5 (MANE Select); 15 bases into the intron before coding-DNA position 509, G replaced by T.
Molecular consequence: intron variant.
Genome position (GRCh38, 1-based): chr11:125,605,614, G>T. VCF-style: chr11-125605614-G-T. GRCh37 (hg19) VCF-style: chr11-125475509-G-T.
Other names: p.?; c.509-15G>T (NM_001278503.2); c.233-15G>T (NM_001278504.2).
Identifiers: ClinVar variation 384045 (VCV000384045.14), dbSNP rs185338981, ClinGen allele CA6348872.